The following is an entry in ClinVar:

NM_002691.4(POLD1):c.482T>C (p.Met161Thr)

Gene: POLD1 (DNA polymerase delta 1, catalytic subunit; plus strand). Cytogenetic location: 19q13.33.
Variant type: single nucleotide variant.
Coding change: c.482T>C on transcript NM_002691.4 (MANE Select); coding-DNA position 482, T replaced by C.
Protein change: p.Met161Thr; replaces methionine 161 with threonine.
Molecular consequence: missense variant. On other transcripts: non-coding transcript variant (1).
Genome position (GRCh38, 1-based): chr19:50,402,017, T>C. VCF-style: chr19-50402017-T-C. GRCh37 (hg19) VCF-style: chr19-50905274-T-C.
Other names: c.482T>C, p.Met161Thr (NM_001256849.1, NM_001308632.1); short protein forms M161T.
Identifiers: ClinVar variation 3935585 (VCV003935585.1).

ClinVar aggregate classification (germline): Uncertain significance (1 of 4 stars; one submission).

Conditions:
Hereditary cancer-predisposing syndrome. Also called: Tumor predisposition; Hereditary neoplastic syndrome; Hereditary Cancer Syndrome; Neoplastic Syndromes, Hereditary. Identifiers: Orphanet 140162, MedGen C0027672, MeSH D009386, MONDO:0015356.

Submission:

Ambry Genetics
Classification: Uncertain significance for Hereditary cancer-predisposing syndrome. Last evaluated: 2025-05-31. Review status: criteria provided, single submitter. Criteria: Ambry Variant Classification Scheme 2023. Collection method: clinical testing. Allele origin: germline.
Comment: The p.M161T variant (also known as c.482T>C), located in coding exon 4 of the POLD1 gene, results from a T to C substitution at nucleotide position 482. The methionine at codon 161 is replaced by threonine, an amino acid with similar properties. This amino acid position is conserved. In addition, this alteration is predicted to be tolerated by in silico analysis. Based on the available evidence, the clinical significance of this variant remains unclear.